The following is an entry in ClinVar:

NM_001009921.3(VPS8):c.687C>T (p.Ala229=)

Gene: VPS8 (VPS8 subunit of CORVET complex; plus strand). Cytogenetic location: 3q27.2.
Variant type: single nucleotide variant.
Coding change: c.687C>T on transcript NM_001009921.3 (MANE Select); coding-DNA position 687, C replaced by T.
Protein change: p.Ala229=; no amino-acid change (alanine 229 retained).
Molecular consequence: synonymous variant. On other transcripts: 5 prime UTR variant (2), non-coding transcript variant (1).
Genome position (GRCh38, 1-based): chr3:184,849,956, C>T. VCF-style: chr3-184849956-C-T. GRCh37 (hg19) VCF-style: chr3-184567744-C-T.
Other names: c.687C>T, p.Ala229= (NM_001349292.2, NM_001349293.2, NM_001349294.2 and 1 more transcripts); c.648C>T, p.Ala216= (NM_001349296.2); c.-1186C>T (NM_001349297.2); c.-1293C>T (NM_001349298.2); c.681C>T, p.Ala227= (NM_015303.4).
Identifiers: ClinVar variation 4995813 (VCV004995813.1).

ClinVar aggregate classification (germline): Likely benign (1 of 4 stars; one submission).

Conditions:
VPS8-related disorder. Also called: VPS8-related condition.

gnomAD v4.1: 2 of 1,613,252 alleles (0.00012%); highest among the groups gnomAD compares: Middle Eastern, 0.017%; no homozygotes.

Submission:

PreventionGenetics, part of Exact Sciences
Classification: Likely benign for VPS8-related condition. Last evaluated: 2025-12-17. Review status: criteria provided, single submitter. Criteria: ACMG Guidelines, 2015. Collection method: clinical testing. Allele origin: germline.
Comment: This variant is classified as likely benign based on ACMG/AMP sequence variant interpretation guidelines (Richards et al. 2015 PMID: 25741868, with internal and published modifications).